The following is an entry in ClinVar:

ClinVar aggregate classification (germline): Uncertain significance (1 of 4 stars; one submission).

Conditions:
Accelerated tumor formation, susceptibility to (ACTFS). Identifiers: MedGen C3280690, OMIM 614401, MONDO:0013733.

Submission:

Labcorp Genetics (formerly Invitae), Labcorp
Classification: Uncertain significance for Accelerated tumor formation, susceptibility to. Last evaluated: 2025-02-25. Review status: criteria provided, single submitter. Criteria: Invitae Variant Classification Sherloc (09022015). Collection method: clinical testing. Allele origin: germline.
Comment: This sequence change replaces leucine, which is neutral and non-polar, with valine, which is neutral and non-polar, at codon 60 of the MDM2 protein (p.Leu60Val). This variant is not present in population databases (gnomAD no frequency). This variant has not been reported in the literature in individuals affected with MDM2-related conditions. ClinVar contains an entry for this variant (Variation ID: 2907543). An algorithm developed to predict the effect of missense changes on protein structure and function (PolyPhen-2) suggests that this variant is likely to be tolerated. In summary, the available evidence is currently insufficient to determine the role of this variant in disease. Therefore, it has been classified as a Variant of Uncertain Significance.

NM_002392.6(MDM2):c.178C>G (p.Leu60Val)

Gene: MDM2 (MDM2 proto-oncogene; plus strand). Cytogenetic location: 12q15.
Variant type: single nucleotide variant.
Coding change: c.178C>G on transcript NM_002392.6 (MANE Select); coding-DNA position 178, C replaced by G.
Protein change: p.Leu60Val; replaces leucine 60 with valine.
Molecular consequence: missense variant. On other transcripts: intron variant (2).
Genome position (GRCh38, 1-based): chr12:68,816,815, C>G. VCF-style: chr12-68816815-C-G. GRCh37 (hg19) VCF-style: chr12-69210595-C-G.
Other names: c.160C>G, p.Leu54Val (NM_001145337.3, NM_001367990.1); c.178C>G, p.Leu60Val (NM_001145339.2); c.156+3187C>G (NM_001278462.2, NM_001145340.3); short protein forms L54V, L60V.
Identifiers: ClinVar variation 2907543 (VCV002907543.3), dbSNP rs2499133105, ClinGen allele CA385704028.
Genomic context (GRCh38, chr12:68,816,815, plus strand): 5'-TATTTACAACTAACATTTAGTTTTCTTTAATGCTCAGAAATCATATTTGTATTTCAGGTT[C>G]TTTTTTATCTTGGCCAGTATATTATGACTAAACGATTATATGATGAGAAGCAACAACATA-3'
Protein context (NP_002383.2, residues 50-70): QKDTYTMKEV[Leu60Val]FYLGQYIMTK